The following is an entry in ClinVar:

ClinVar aggregate classification (germline): Likely benign. Review status: criteria provided, single submitter (1 of 4 stars). 2 submissions from 2 submitters: Likely benign (1). 1 of the submissions does not count toward it. Last evaluated 2024-12-24.

Conditions:
STAG2-related disorder. Also called: STAG2-Related Disorders.

Allele frequency attached by ClinVar (database versions not stated): gnomAD 0.00003; gnomAD exomes 0.00003 and 0.00005; TOPMed 0.00004; ExAC 0.00005; ESP Exome Variant Server 0.00009.
gnomAD v4.1: 61 of 1,203,736 alleles (0.0051%); highest among the groups gnomAD compares: Non-Finnish European, 0.0063%; no homozygotes.

Submissions (2):

Labcorp Genetics (formerly Invitae), Labcorp
Classification: Likely benign. Last evaluated: 2024-12-24. Review status: criteria provided, single submitter. Criteria: Invitae Variant Classification Sherloc (09022015). Collection method: clinical testing. Allele origin: germline.

PreventionGenetics, part of Exact Sciences
Classification: Likely benign for STAG2-related condition. Last evaluated: 2022-10-04. Review status: no assertion criteria provided. Collection method: clinical testing. Allele origin: germline. Not counted in ClinVar's aggregate classification.
Comment: This variant is classified as likely benign based on ACMG/AMP sequence variant interpretation guidelines (Richards et al. 2015 PMID: 25741868, with internal and published modifications).

NM_001042750.2(STAG2):c.1218T>C (p.Thr406=)

Gene: STAG2 (STAG2 cohesin complex component; plus strand). Cytogenetic location: Xq25.
Variant type: single nucleotide variant.
Coding change: c.1218T>C on transcript NM_001042750.2 (MANE Select); coding-DNA position 1218, T replaced by C.
Protein change: p.Thr406=; no amino-acid change (threonine 406 retained).
Molecular consequence: synonymous variant.
Genome position (GRCh38, 1-based): chrX:124,056,149, T>C. VCF-style: chrX-124056149-T-C. GRCh37 (hg19) VCF-style: chrX-123189999-T-C.
Other names: c.1218T>C, p.Thr406= (NM_001042749.2, NM_001042751.2, NM_001282418.2 and 13 more transcripts).
Identifiers: ClinVar variation 1623590 (VCV001623590.10), dbSNP rs200552026, ClinGen allele CA10508738.